The following is an entry in ClinVar:

NM_000138.5(FBN1):c.4341_4344del (p.Ile1447fs)

Gene: FBN1 (fibrillin 1; minus strand). Cytogenetic location: 15q21.1.
Variant type: Deletion.
Coding change: c.4341_4344del on transcript NM_000138.5 (MANE Select); coding-DNA positions 4341 to 4344, 4 bases deleted (TGAT; older notation c.4341_4344delTGAT).
Protein change: p.Ile1447fs; shifts the reading frame from isoleucine 1447.
Molecular consequence: frameshift variant.
Genome position (GRCh38, 1-based): chr15:48,470,749-48,470,752, ATCA deleted on the plus strand (TGAT on the coding strand, the reverse complement: FBN1 is on the minus strand); deleting any 4 consecutive bases within chr15:48,470,749-48,470,754 gives the same sequence; the c. name uses the placement nearest the transcript's 3' end. VCF-style (leftmost placement, unchanged base first): chr15-48470748-CATCA-C. GRCh37 (hg19) VCF-style: chr15-48762945-CATCA-C.
Other names: c.4341_4344del, p.Ile1447fs (NM_001406716.1); short protein forms I1447fs.
Identifiers: ClinVar variation 2946072 (VCV002946072.3), dbSNP rs2505508693, ClinGen allele CA2740096591.
Genomic context (GRCh38, chr15:48,470,748, plus strand): 5'-GGAACAGGCCAGGGAGGTTGTGGCAAGTTCCAAAGACACAGATGTTCGGAAGGGAGCACT[CATCA>C]ATATCTTGGGGGGAGGGAGAAAAAAGCAAAAAACTTAACTTATATTTTTCTAAAAAAAAC-3'

ClinVar aggregate classification (germline): Pathogenic (1 of 4 stars; one submission).

Conditions:
Marfan syndrome (MFS). Also called: MARFAN SYNDROME, TYPE I; Marfan syndrome type 1; Marfan's syndrome; Marfan syndrome, classic; FBN1-Related Marfan Syndrome. Identifiers: Orphanet 284963, Orphanet 558, MedGen C0024796, MONDO:0007947, OMIM 154700.
Familial thoracic aortic aneurysm and aortic dissection (TAAD). Also called: Thoracic aortic aneurysms and dissections. Identifiers: Orphanet 91387, MedGen C4707243, MONDO:0019625.

Submission:

Labcorp Genetics (formerly Invitae), Labcorp
Classification: Pathogenic for Marfan syndrome; Familial thoracic aortic aneurysm and aortic dissection. Last evaluated: 2025-08-06. Review status: criteria provided, single submitter. Criteria: Invitae Variant Classification Sherloc (09022015). Collection method: clinical testing. Allele origin: germline.
Comment: This sequence change creates a premature translational stop signal (p.Ile1447Metfs*27) in the FBN1 gene. It is expected to result in an absent or disrupted protein product. Loss-of-function variants in FBN1 are known to be pathogenic (PMID: 17657824, 19293843). This variant is not present in population databases (gnomAD no frequency). This variant has not been reported in the literature in individuals affected with FBN1-related conditions. ClinVar contains an entry for this variant (Variation ID: 2946072). For these reasons, this variant has been classified as Pathogenic.

Literature cited by the submitters: PubMed 17657824; PubMed 19293843.